The following is an entry in ClinVar:

NM_016373.4(WWOX):c.409+16A>C

Gene: WWOX (WW domain containing oxidoreductase; plus strand). Cytogenetic location: 16q23.1.
Variant type: single nucleotide variant.
Coding change: c.409+16A>C on transcript NM_016373.4 (MANE Select); 16 bases into the intron after coding-DNA position 409, A replaced by C.
Molecular consequence: intron variant.
Genome position (GRCh38, 1-based): chr16:78,115,170, A>C. VCF-style: chr16-78115170-A-C. GRCh37 (hg19) VCF-style: chr16-78149067-A-C.
Other names: c.70+16A>C (NM_001291997.2); c.409+16A>C (NM_130791.5).
Identifiers: ClinVar variation 260738 (VCV000260738.15), dbSNP rs12934985, ClinGen allele CA8183181.

ClinVar aggregate classification (germline): Benign. Review status: criteria provided, multiple submitters, no conflicts (2 of 4 stars). 8 submissions from 7 submitters: Benign (8). Last evaluated 2026-02-03.

Conditions:
Developmental and epileptic encephalopathy, 1 (DEE1). Also called: X-linked infantile spasms; West's syndrome; Tonic spasms with clustering, arrest of psychomotor development and hypsarrhythmia on EEG; X-Linked Infantile Spasm Syndrome; OHTAHARA SYNDROME, X-LINKED; INFANTILE SPASM SYNDROME, X-LINKED 1. Identifiers: MedGen C3463992, MONDO:0010632, OMIM 308350. Disease mechanism: loss of function.
Autosomal recessive spinocerebellar ataxia 12. Also called: SPINOCEREBELLAR ATAXIA WITH MENTAL RETARDATION AND EPILEPSY. Identifiers: Orphanet 284282, MedGen C3280452, MONDO:0013687, OMIM 614322.
Developmental and epileptic encephalopathy, 28 (DEE28). Also called: Epileptic encephalopathy, early infantile, 28. Identifiers: Orphanet 442835, MedGen C4015519, MONDO:0014533, OMIM 616211.

Allele frequency attached by ClinVar (database versions not stated): 1000 Genomes Project 30x 0.17411; 1000 Genomes Project 0.17592; TOPMed 0.20976; ESP Exome Variant Server 0.23051.
gnomAD v4.1: 452,545 of 1,613,652 alleles (28%); highest among the groups gnomAD compares: Non-Finnish European, 30%; 66,698 homozygotes.

Submissions (8):

Labcorp Genetics (formerly Invitae), Labcorp
Classification: Benign for Developmental and epileptic encephalopathy, 1; Autosomal recessive spinocerebellar ataxia 12. Last evaluated: 2026-02-03. Review status: criteria provided, single submitter. Criteria: Invitae Variant Classification Sherloc (09022015). Collection method: clinical testing. Allele origin: germline.

Blueprint Genetics
Classification: Benign. Last evaluated: 2024-11-27. Review status: criteria provided, single submitter. Criteria: ACMG Guidelines, 2015. Collection method: clinical testing. Allele origin: germline.

Unidad de Genómica Garrahan, Hospital de Pediatría Garrahan
Classification: Benign. Last evaluated: 2024-07-15. Review status: criteria provided, single submitter. Criteria: ACMG Guidelines, 2015. Collection method: clinical testing. Allele origin: germline. Affected: no. Observed: 39 variant alleles.
Comment: This variant is classified as Benign based on local population frequency. This variant was detected in 42% of patients studied in a panel designed for Epileptic and Developmental Encephalopathy and Progressive Myoclonus Epilepsy. Number of patients: 39. Only high quality variants are reported.

Genome-Nilou Lab
Classification: Benign for Developmental and epileptic encephalopathy, 28. Last evaluated: 2021-12-05. Review status: criteria provided, single submitter. Criteria: ACMG Guidelines, 2015. Collection method: clinical testing. Allele origin: germline. Affected: no.

Genome-Nilou Lab
Classification: Benign for Autosomal recessive spinocerebellar ataxia 12. Last evaluated: 2021-12-05. Review status: criteria provided, single submitter. Criteria: ACMG Guidelines, 2015. Collection method: clinical testing. Allele origin: germline. Affected: no.

GeneDx
Classification: Benign. Last evaluated: 2016-01-06. Review status: criteria provided, single submitter. Criteria: GeneDx Variant Classification (06012015). Collection method: clinical testing. Allele origin: germline. Affected: yes.
Comment: This variant is considered likely benign or benign based on one or more of the following criteria: it is a conservative change, it occurs at a poorly conserved position in the protein, it is predicted to be benign by multiple in silico algorithms, and/or has population frequency not consistent with disease.

Breakthrough Genomics
Classification: Benign. Review status: criteria provided, single submitter. Criteria: ACMG Guidelines, 2015. Collection method: not provided. Allele origin: germline. Inheritance: Autosomal recessive inheritance. Affected: yes.

PreventionGenetics, part of Exact Sciences
Classification: Benign. Review status: criteria provided, single submitter. Criteria: ACMG Guidelines, 2015. Collection method: clinical testing. Allele origin: germline.